The following is an entry in ClinVar:

ClinVar aggregate classification (germline): Pathogenic. Review status: criteria provided, multiple submitters, no conflicts (2 of 4 stars). 2 submissions from 2 submitters: Pathogenic (2). Last evaluated 2023-04-01.

Submissions (2):

CeGaT Center for Human Genetics Tuebingen
Classification: Pathogenic. Last evaluated: 2023-04-01. Review status: criteria provided, single submitter. Criteria: CeGaT Center For Human Genetics Tuebingen Variant Classification Criteria Version 2. Collection method: clinical testing. Allele origin: germline. Affected: yes. Observed: 1 variant allele.
Comment: COL4A1: PM1:Strong, PS2, PM2, PP3

Athena Diagnostics
Classification: Pathogenic. Last evaluated: 2018-03-23. Review status: criteria provided, single submitter. Criteria: Athena Diagnostics Criteria. Collection method: clinical testing. Allele origin: germline.

NM_001845.6(COL4A1):c.2291G>A (p.Gly764Asp)

Gene: COL4A1 (collagen type IV alpha 1 chain; minus strand). Cytogenetic location: 13q34.
Variant type: single nucleotide variant.
Coding change: c.2291G>A on transcript NM_001845.6 (MANE Select); coding-DNA position 2291, G replaced by A.
Protein change: p.Gly764Asp; replaces glycine 764 with aspartic acid.
Molecular consequence: missense variant.
Genome position (GRCh38, 1-based): chr13:110,179,324, C>T on the plus strand (G>A on the coding strand, the complement: COL4A1 is on the minus strand). VCF-style: chr13-110179324-C-T. GRCh37 (hg19) VCF-style: chr13-110831671-C-T.
Other names: short protein forms G764D.
Identifiers: ClinVar variation 585512 (VCV000585512.28), dbSNP rs1566353677, ClinGen allele CA388668629.